The following is an entry in ClinVar:

ClinVar aggregate classification (germline): Likely benign. Review status: criteria provided, single submitter (1 of 4 stars). 2 submissions from 2 submitters: Likely benign (1). 1 of the submissions does not count toward it. Last evaluated 2024-05-17.

Conditions:
IFT74-related disorder. Also called: IFT74-related condition; IFT74-Related Disorders.

Allele frequency attached by ClinVar (database versions not stated): gnomAD exomes below 0.00001; gnomAD 0.00002; TOPMed 0.00004.
gnomAD v4.1: 5 of 1,555,702 alleles (0.00032%); highest among the groups gnomAD compares: African/African-American, 0.007%; no homozygotes.

Submissions (2):

Labcorp Genetics (formerly Invitae), Labcorp
Classification: Likely benign. Last evaluated: 2024-05-17. Review status: criteria provided, single submitter. Criteria: Invitae Variant Classification Sherloc (09022015). Collection method: clinical testing. Allele origin: germline.

PreventionGenetics, part of Exact Sciences
Classification: Likely benign for IFT74-related condition. Last evaluated: 2021-09-11. Review status: no assertion criteria provided. Collection method: clinical testing. Allele origin: germline. Not counted in ClinVar's aggregate classification.
Comment: This variant is classified as likely benign based on ACMG/AMP sequence variant interpretation guidelines (Richards et al. 2015 PMID: 25741868, with internal and published modifications).

NM_025103.4(IFT74):c.1473A>G (p.Lys491=)

Gene: IFT74 (intraflagellar transport 74; plus strand). Cytogenetic location: 9p21.2.
Variant type: single nucleotide variant.
Coding change: c.1473A>G on transcript NM_025103.4 (MANE Select); coding-DNA position 1473, A replaced by G.
Protein change: p.Lys491=; no amino-acid change (lysine 491 retained).
Molecular consequence: synonymous variant.
Genome position (GRCh38, 1-based): chr9:27,055,748, A>G. VCF-style: chr9-27055748-A-G. GRCh37 (hg19) VCF-style: chr9-27055746-A-G.
Other names: c.1473A>G, p.Lys491= (NM_001099222.3, NM_001099223.3, NM_001349928.2); c.1473A>G (NM_025103.2).
Identifiers: ClinVar variation 1950874 (VCV001950874.6), dbSNP rs1055614699, ClinGen allele CA191355756.